The following is an entry in ClinVar:

NM_004329.3(BMPR1A):c.1151dup (p.Val385fs)

Gene: BMPR1A (bone morphogenetic protein receptor type 1A; plus strand). Cytogenetic location: 10q23.2.
Variant type: Duplication.
Coding change: c.1151dup on transcript NM_004329.3 (MANE Select); coding-DNA position 1151, one base duplicated (C; older notation c.1151dupC).
Protein change: p.Val385fs; shifts the reading frame from valine 385.
Molecular consequence: frameshift variant.
Genome position (GRCh38, 1-based): chr10:86,919,454, C duplicated. VCF-style (leftmost placement, unchanged base first): chr10-86919453-G-GC. GRCh37 (hg19) VCF-style: chr10-88679210-G-GC.
Other names: short protein forms V385fs.
Identifiers: ClinVar variation 1075137 (VCV001075137.8), dbSNP rs2133594187, ClinGen allele CA2499220430.

ClinVar aggregate classification (germline): Pathogenic (1 of 4 stars; one submission).

Conditions:
Juvenile polyposis syndrome (JPS). Identifiers: Orphanet 2929, MedGen C0345893, MONDO:0017380, OMIM 174900.

Submission:

Labcorp Genetics (formerly Invitae), Labcorp
Classification: Pathogenic for Juvenile polyposis syndrome. Last evaluated: 2021-04-11. Review status: criteria provided, single submitter. Criteria: Invitae Variant Classification Sherloc (09022015). Collection method: clinical testing. Allele origin: germline.
Comment: This sequence change creates a premature translational stop signal (p.Val385Cysfs*2) in the BMPR1A gene. It is expected to result in an absent or disrupted protein product. Loss-of-function variants in BMPR1A are known to be pathogenic (PMID: 11536076, 12417513). This variant is not present in population databases (ExAC no frequency). This variant has not been reported in the literature in individuals with BMPR1A-related conditions. For these reasons, this variant has been classified as Pathogenic.

Literature cited by the submitters: PubMed 11536076; PubMed 12417513.